The following is an entry in ClinVar:

NM_015102.5(NPHP4):c.1343C>T (p.Ser448Leu)

Gene: NPHP4 (nephrocystin 4; minus strand). Cytogenetic location: 1p36.31.
Variant type: single nucleotide variant.
Coding change: c.1343C>T on transcript NM_015102.5 (MANE Select); coding-DNA position 1343, C replaced by T.
Protein change: p.Ser448Leu; replaces serine 448 with leucine.
Molecular consequence: missense variant. On other transcripts: 5 prime UTR variant (2), non-coding transcript variant (1).
Genome position (GRCh38, 1-based): chr1:5,927,747, G>A on the plus strand (C>T on the coding strand, the complement: NPHP4 is on the minus strand). VCF-style: chr1-5927747-G-A. GRCh37 (hg19) VCF-style: chr1-5987807-G-A.
Other names: c.-24C>T (NM_001291593.2, NM_001291594.2); short protein forms S448L.
Identifiers: ClinVar variation 936324 (VCV000936324.12), dbSNP rs367909950, ClinGen allele CA17134126.

ClinVar aggregate classification (germline): Uncertain significance. Review status: criteria provided, multiple submitters, no conflicts (2 of 4 stars). 3 submissions from 3 submitters: Uncertain significance (3). Last evaluated 2025-07-24.

Conditions:
NPHP4-related disorder. Also called: NPHP4-related disorders; NPHP4-related condition. Identifiers: MedGen CN239384.
Senior-Loken syndrome 4 (SLSN4). Identifiers: Orphanet 3156, MedGen C1846979, MONDO:0011756, OMIM 606996.
Nephronophthisis 4 (NPHP4). Also called: NEPHRONOPHTHISIS 4, JUVENILE. Identifiers: Orphanet 655, MedGen C1847013, MONDO:0011752, OMIM 606966.
Nephronophthisis. Also called: Juvenile Nephronophthisis. Identifiers: Orphanet 655, MedGen C0687120, MONDO:0019005, HP:0000090.

Allele frequency attached by ClinVar (database versions not stated): TOPMed 0.00001; gnomAD 0.00002; gnomAD exomes 0.00002; ESP Exome Variant Server 0.00008.
gnomAD v4.1: 28 of 1,613,224 alleles (0.0017%); highest among the groups gnomAD compares: Non-Finnish European, 0.0022%; no homozygotes.

Submissions (3):

PreventionGenetics, part of Exact Sciences
Classification: Uncertain significance for NPHP4-related condition. Last evaluated: 2025-07-24. Review status: criteria provided, single submitter. Criteria: ACMG Guidelines, 2015. Collection method: clinical testing. Allele origin: germline.
Comment: The NPHP4 c.1343C>T variant is predicted to result in the amino acid substitution p.Ser448Leu. To our knowledge, this variant has not been reported in the literature. This variant is reported in 0.0041% of alleles in individuals of African descent in gnomAD. At this time, the clinical significance of this variant is uncertain due to the absence of conclusive functional and genetic evidence.

Fulgent Genetics
Classification: Uncertain significance for Nephronophthisis 4; Senior-Loken syndrome 4. Last evaluated: 2024-05-23. Review status: criteria provided, single submitter. Criteria: ACMG Guidelines, 2015. Collection method: clinical testing. Allele origin: germline.

Labcorp Genetics (formerly Invitae), Labcorp
Classification: Uncertain significance for Nephronophthisis. Last evaluated: 2022-01-21. Review status: criteria provided, single submitter. Criteria: Invitae Variant Classification Sherloc (09022015). Collection method: clinical testing. Allele origin: germline.
Comment: This variant has not been reported in the literature in individuals affected with NPHP4-related conditions. In summary, the available evidence is currently insufficient to determine the role of this variant in disease. Therefore, it has been classified as a Variant of Uncertain Significance. Algorithms developed to predict the effect of missense changes on protein structure and function (SIFT, PolyPhen-2, Align-GVGD) all suggest that this variant is likely to be tolerated. ClinVar contains an entry for this variant (Variation ID: 936324). This variant is present in population databases (rs367909950, gnomAD 0.004%). This sequence change replaces serine, which is neutral and polar, with leucine, which is neutral and non-polar, at codon 448 of the NPHP4 protein (p.Ser448Leu).